The following is an entry in ClinVar:

ClinVar aggregate classification (germline): Uncertain significance (1 of 4 stars; one submission).

Conditions:
Hereditary diffuse gastric adenocarcinoma (HDGC). Also called: DIFFUSE GASTRIC AND LOBULAR BREAST CANCER SYNDROME. Identifiers: Orphanet 26106, MedGen C1708349, MONDO:0007648, OMIM 137215.

Submission:

Labcorp Genetics (formerly Invitae), Labcorp
Classification: Uncertain significance for Hereditary diffuse gastric adenocarcinoma. Last evaluated: 2017-07-13. Review status: criteria provided, single submitter. Criteria: Invitae Variant Classification Sherloc (09022015). Collection method: clinical testing. Allele origin: germline.
Comment: In summary, the available evidence is currently insufficient to determine the role of this variant in disease. Therefore, it has been classified as a Variant of Uncertain Significance. Algorithms developed to predict the effect of missense changes on protein structure and function output the following: SIFT: "Tolerated"; PolyPhen-2: "Benign"; Align-GVGD: "Class C0". The alanine amino acid residue is found in multiple mammalian species, suggesting that this missense change does not adversely affect protein function. These predictions have not been confirmed by published functional studies and their clinical significance is uncertain. This variant has not been reported in the literature in individuals with CDH1-related disease. This variant is not present in population databases (ExAC no frequency). This sequence change replaces valine with alanine at codon 430 of the CDH1 protein (p.Val430Ala). The valine residue is weakly conserved and there is a small physicochemical difference between valine and alanine.

NM_004360.5(CDH1):c.1289T>C (p.Val430Ala)

Gene: CDH1 (cadherin 1; plus strand). Cytogenetic location: 16q22.1.
Variant type: single nucleotide variant.
Coding change: c.1289T>C on transcript NM_004360.5 (MANE Select); coding-DNA position 1289, T replaced by C.
Protein change: p.Val430Ala; replaces valine 430 with alanine.
Molecular consequence: missense variant. On other transcripts: 5 prime UTR variant (2), intron variant (1).
Genome position (GRCh38, 1-based): chr16:68,813,464, T>C. VCF-style: chr16-68813464-T-C. GRCh37 (hg19) VCF-style: chr16-68847367-T-C.
Other names: c.1289T>C (LRG_301t1); c.-327T>C (NM_001317185.2); c.-531T>C (NM_001317186.2); c.1137+1201T>C (NM_001317184.2); short protein forms V430A.
Identifiers: ClinVar variation 463707 (VCV000463707.9), dbSNP rs730881665, ClinGen allele CA396461799.
Genomic context (GRCh38, chr16:68,813,464, plus strand): 5'-AGGCTGTATACACCATATTGAATGATGATGGTGGACAATTTGTCGTCACCACAAATCCAG[T>C]GAACAACGATGGCATTTTGAAAACAGCAAAGGTTTGTATGGTACCTGGCAAGATGCAGAA-3'
Protein context (NP_004351.1, residues 420-440): GGQFVVTTNP[Val430Ala]NNDGILKTAK